The following is an entry in ClinVar:

NM_007194.4(CHEK2):c.1490A>G (p.Asp497Gly)

Gene: CHEK2 (checkpoint kinase 2; minus strand). Cytogenetic location: 22q12.1.
Variant type: single nucleotide variant.
Coding change: c.1490A>G on transcript NM_007194.4 (MANE Select); coding-DNA position 1490, A replaced by G.
Protein change: p.Asp497Gly; replaces aspartic acid 497 with glycine.
Molecular consequence: missense variant.
Genome position (GRCh38, 1-based): chr22:28,689,187, T>C on the plus strand (A>G on the coding strand, the complement: CHEK2 is on the minus strand). VCF-style: chr22-28689187-T-C. GRCh37 (hg19) VCF-style: chr22-29085175-T-C.
Other names: c.1619A>G, p.Asp540Gly (NM_001005735.3); c.827A>G, p.Asp276Gly (NM_001257387.3); c.1289A>G, p.Asp430Gly (NM_001349956.3); c.1403A>G, p.Asp468Gly (NM_145862.3); short protein forms D468G, D540G, D276G, D430G, D497G.
Identifiers: ClinVar variation 1773766 (VCV001773766.7), dbSNP rs549945536, ClinGen allele CA10167624.
Genomic context (GRCh38, chr22:28,689,187, plus strand): 5'-ACGAATACCTGGGCTAGAACCTGGGGTAGAGCTGTGGATTCATTTTCCTCAGACAGAAGA[T>C]CTTGAAACTTTCTCTTCATGTCTTCATCCTGTGAGGGAATTAAAAACATAAGTAGCTGTG-3'
Protein context (NP_009125.1, residues 487-507): QDEDMKRKFQ[Asp497Gly]LLSEENESTA

ClinVar aggregate classification (germline): Uncertain significance. Review status: criteria provided, multiple submitters, no conflicts (2 of 4 stars). 3 submissions from 3 submitters: Uncertain significance (3). Last evaluated 2025-11-26.

Conditions:
Hereditary cancer-predisposing syndrome. Also called: Hereditary Cancer Syndrome; Hereditary neoplastic syndrome; Neoplastic Syndromes, Hereditary; Tumor predisposition. Identifiers: Orphanet 140162, MedGen C0027672, MeSH D009386, MONDO:0015356.
Familial cancer of breast. Also called: BREAST CANCER, FAMILIAL; Hereditary breast cancer; hereditary breast carcinoma. Identifiers: Orphanet 227535, MedGen C0346153, MONDO:0016419, OMIM 114480. Disease mechanism: loss of function.

Allele frequency attached by ClinVar (database versions not stated): ExAC 0.00001; gnomAD 0.00001; 1000 Genomes Project 0.00020; 1000 Genomes Project 30x 0.00031.
gnomAD v4.1: 1 of 1,593,832 alleles (0.000063%); highest among the groups gnomAD compares: Admixed American, 0.0017%; no homozygotes.

Submissions (3):

Ambry Genetics
Classification: Uncertain significance for Hereditary cancer-predisposing syndrome. Last evaluated: 2025-11-26. Review status: criteria provided, single submitter. Criteria: Ambry Variant Classification Scheme 2023. Collection method: clinical testing. Allele origin: germline.
Comment: The p.D497G variant (also known as c.1490A>G), located in coding exon 13 of the CHEK2 gene, results from an A to G substitution at nucleotide position 1490. The aspartic acid at codon 497 is replaced by glycine, an amino acid with similar properties. This amino acid position is poorly conserved in available vertebrate species. In addition, this alteration is predicted to be tolerated by in silico analysis. Since supporting evidence is limited at this time, the clinical significance of this alteration remains unclear.

Labcorp Genetics (formerly Invitae), Labcorp
Classification: Uncertain significance for Familial cancer of breast. Last evaluated: 2025-06-15. Review status: criteria provided, single submitter. Criteria: Invitae Variant Classification Sherloc (09022015). Collection method: clinical testing. Allele origin: germline.
Comment: This sequence change replaces aspartic acid, which is acidic and polar, with glycine, which is neutral and non-polar, at codon 497 of the CHEK2 protein (p.Asp497Gly). This variant is present in population databases (rs549945536, gnomAD 0.003%). This variant has not been reported in the literature in individuals affected with CHEK2-related conditions. ClinVar contains an entry for this variant (Variation ID: 1773766). An algorithm developed to predict the effect of missense changes on protein structure and function (PolyPhen-2) suggests that this variant is likely to be tolerated. In summary, the available evidence is currently insufficient to determine the role of this variant in disease. Therefore, it has been classified as a Variant of Uncertain Significance.

Baylor Genetics
Classification: Uncertain significance for Familial cancer of breast. Last evaluated: 2023-09-17. Review status: criteria provided, single submitter. Criteria: ACMG Guidelines, 2015. Collection method: clinical testing. Allele origin: unknown.